The following is an entry in ClinVar:

NM_001384125.1(BLTP1):c.2209_2247+201dup

Gene: BLTP1 (bridge-like lipid transfer protein family member 1; plus strand). Cytogenetic location: 4q27.
Variant type: Duplication.
Coding change: c.2209_2247+201dup on transcript NM_001384125.1 (MANE Select); coding-DNA position 2209 through 201 bases into the intron after coding-DNA position 2247, 240 bases duplicated.
Molecular consequence: splice donor variant.
Genome position (GRCh38, 1-based): chr4:122,211,057-122,211,296, 240 bases duplicated. GRCh37 (hg19): chr4:123,132,212-123,132,451.
Other names: c.2209_2247+201dup (NM_015312.4).
Identifiers: ClinVar variation 1679594 (VCV001679594.1), dbSNP rs2149866887, ClinGen allele CA2573138021.

ClinVar aggregate classification (germline): Uncertain significance (1 of 4 stars; one submission).

Conditions:
Alkuraya-Kucinskas syndrome. Identifiers: Orphanet 610569, MedGen C4693347, MONDO:0060631, OMIM 617822.

Submission:

New York Genome Center
Classification: Uncertain significance for Alkuraya-Kucinskas syndrome. Last evaluated: 2021-06-11. Review status: criteria provided, single submitter. Criteria: NYGC Assertion Criteria 2020. Collection method: clinical testing. Allele origin: inherited. Observed: 1 compound heterozygote. Study: CSER-NYCKidSeq.
Comment: The inherited intragenic copy number gain in the KIAA1109 gene is a 239bp duplication containing part of exon 18/84. This variant is predicted to lead to the in-frame duplication of the last 13 amino acids of exon 18 (p.Leu737_Lys749) as well as the intervening intronic sequence. The functional consequence of this duplication is unknown. This duplication is present in gnomAD SVs(v2.1) (113 heterozygotes, 0 homozygotes; allele frequency:0.0052). This variant is absent from ClinVar and to our current knowledge has not been reported in affected individuals in the literature. The duplicated region (p.Leu737_Lys749) is not within a functional domain of KIAA1109 (UniProtKB:Q2LD37). Given the lack of compelling evidence for its pathogenicity, the inherited intragenic copy number gain in the KIAA1109 gene is reported as a Variant of Uncertain Significance.